The following is an entry in ClinVar:

NM_032806.6(POMGNT2):c.1130A>G (p.Tyr377Cys)

Gene: POMGNT2 (protein O-linked mannose N-acetylglucosaminyltransferase 2 (beta 1,4-); minus strand). Cytogenetic location: 3p22.1.
Variant type: single nucleotide variant.
Coding change: c.1130A>G on transcript NM_032806.6 (MANE Select); coding-DNA position 1130, A replaced by G.
Protein change: p.Tyr377Cys; replaces tyrosine 377 with cysteine.
Molecular consequence: missense variant.
Genome position (GRCh38, 1-based): chr3:43,080,302, T>C on the plus strand (A>G on the coding strand, the complement: POMGNT2 is on the minus strand). VCF-style: chr3-43080302-T-C. GRCh37 (hg19) VCF-style: chr3-43121794-T-C.
Other names: short protein forms Y377C.
Identifiers: ClinVar variation 2203345 (VCV002203345.4), dbSNP rs369583405, ClinGen allele CA2339921.

ClinVar aggregate classification (germline): Uncertain significance (1 of 4 stars; one submission).

Conditions:
Muscular dystrophy-dystroglycanopathy (congenital with brain and eye anomalies), type a, 8 (MDDGA8). Also called: WALKER-WARBURG SYNDROME OR MUSCLE-EYE-BRAIN DISEASE, GTDC2-RELATED. Identifiers: Orphanet 899, MedGen C3553813, MONDO:0013904, OMIM 614830.

Allele frequency attached by ClinVar (database versions not stated): ExAC 0.00001; gnomAD 0.00001; gnomAD exomes 0.00001; TOPMed 0.00001; ESP Exome Variant Server 0.00008.
gnomAD v4.1: 16 of 1,614,004 alleles (0.00099%); highest among the groups gnomAD compares: Non-Finnish European, 0.0011%; no homozygotes.

Submission:

Labcorp Genetics (formerly Invitae), Labcorp
Classification: Uncertain significance for Muscular dystrophy-dystroglycanopathy (congenital with brain and eye anomalies), type a, 8. Last evaluated: 2022-05-05. Review status: criteria provided, single submitter. Criteria: Invitae Variant Classification Sherloc (09022015). Collection method: clinical testing. Allele origin: germline.
Comment: This variant is present in population databases (rs369583405, gnomAD 0.0009%). This sequence change replaces tyrosine, which is neutral and polar, with cysteine, which is neutral and slightly polar, at codon 377 of the POMGNT2 protein (p.Tyr377Cys). This missense change has been observed in individual(s) with muscular dystrophy-dystroglycanopathy (PMID: 26436962). In at least one individual the data is consistent with being in trans (on the opposite chromosome) from a pathogenic variant. In summary, the available evidence is currently insufficient to determine the role of this variant in disease. Therefore, it has been classified as a Variant of Uncertain Significance. Algorithms developed to predict the effect of missense changes on protein structure and function are either unavailable or do not agree on the potential impact of this missense change (SIFT: "Deleterious"; PolyPhen-2: "Probably Damaging"; Align-GVGD: "Class C0").

Literature cited by the submitters: PubMed 26436962.